The following is an entry in ClinVar:

NM_001283009.2(RTEL1):c.2828C>T (p.Pro943Leu)

Genes: RTEL1 (regulator of telomere elongation helicase 1; plus strand), RTEL1-TNFRSF6B (RTEL1-TNFRSF6B readthrough (NMD candidate); plus strand). Cytogenetic location: 20q13.33.
Variant type: single nucleotide variant.
Coding change: c.2828C>T on transcript NM_001283009.2 (MANE Select); coding-DNA position 2828, C replaced by T.
Protein change: p.Pro943Leu; replaces proline 943 with leucine.
Molecular consequence: missense variant. On other transcripts: non-coding transcript variant (1).
Genome position (GRCh38, 1-based): chr20:63,692,980, C>T. VCF-style: chr20-63692980-C-T. GRCh37 (hg19) VCF-style: chr20-62324333-C-T.
Other names: c.2900C>T (NM_032957.4); c.2159C>T, p.Pro720Leu (NM_001283010.1); c.2828C>T, p.Pro943Leu (NM_016434.4); c.2900C>T, p.Pro967Leu (NM_032957.5); short protein forms P943L, P967L, P720L.
Identifiers: ClinVar variation 436571 (VCV000436571.35), dbSNP rs142969505, ClinGen allele CA9965563.
Genomic context (GRCh38, chr20:63,692,980, plus strand): 5'-AGGGTTCCGATGACTTCGCCGCCCTGGCCGCCTGTCTCGGCCCCCTCTTTGCTGAGGACC[C>T]CAAGAAGCACAACCTGCTCCAAGGTGCCCTGGCTTGCAGAGGCCACCCACCCTGAGGGCA-3'
Protein context (NP_001269938.1, residues 933-953): ACLGPLFAED[Pro943Leu]KKHNLLQGFY

ClinVar aggregate classification (germline): Uncertain significance. Review status: criteria provided, multiple submitters, no conflicts (2 of 4 stars). 4 submissions from 4 submitters: Uncertain significance (4). Last evaluated 2026-01-05.

Conditions:
RTEL1-related disorder. Also called: RTEL1-related condition; RTEL1-related disorders.
Dyskeratosis congenita, autosomal recessive 5 (DKCB5). Identifiers: MedGen C3554656, MONDO:0014076, OMIM 615190.
Pulmonary fibrosis and/or bone marrow failure, Telomere-related, 3. Also called: PULMONARY FIBROSIS AND/OR BONE MARROW FAILURE SYNDROME, TELOMERE-RELATED, 3. Identifiers: Orphanet 2032, MedGen C4225346, MONDO:0014613, OMIM 616373.

Allele frequency attached by ClinVar (database versions not stated): TOPMed 0.00004.
gnomAD v4.1: 73 of 1,612,504 alleles (0.0045%); highest among the groups gnomAD compares: Middle Eastern, 0.016%; no homozygotes.

Submissions (4):

Labcorp Genetics (formerly Invitae), Labcorp
Classification: Uncertain significance for Dyskeratosis congenita, autosomal recessive 5; Pulmonary fibrosis and/or bone marrow failure, Telomere-related, 3. Last evaluated: 2026-01-05. Review status: criteria provided, single submitter. Criteria: Invitae Variant Classification Sherloc (09022015). Collection method: clinical testing. Allele origin: germline.
Comment: This sequence change replaces proline, which is neutral and non-polar, with leucine, which is neutral and non-polar, at codon 943 of the RTEL1 protein (p.Pro943Leu). This variant is present in population databases (rs142969505, gnomAD 0.008%). This variant has not been reported in the literature in individuals affected with RTEL1-related conditions. ClinVar contains an entry for this variant (Variation ID: 436571). An algorithm developed to predict the effect of missense changes on protein structure and function (PolyPhen-2) suggests that this variant is likely to be tolerated. In summary, the available evidence is currently insufficient to determine the role of this variant in disease. Therefore, it has been classified as a Variant of Uncertain Significance.

CeGaT Center for Human Genetics Tuebingen
Classification: Uncertain significance. Last evaluated: 2024-03-01. Review status: criteria provided, single submitter. Criteria: CeGaT Center For Human Genetics Tuebingen Variant Classification Criteria Version 2. Collection method: clinical testing. Allele origin: germline. Affected: yes. Observed: 2 variant alleles.
Comment: RTEL1: PM2, BP4

PreventionGenetics, part of Exact Sciences
Classification: Uncertain significance for RTEL1-related condition. Last evaluated: 2022-12-10. Review status: criteria provided, single submitter. Criteria: ACMG Guidelines, 2015. Collection method: clinical testing. Allele origin: germline.
Comment: The RTEL1 c.2900C>T variant is predicted to result in the amino acid substitution p.Pro967Leu. To our knowledge, this variant has not been reported in the literature in individuals with RTEL1-related disorders. This variant is reported in 0.0080% of alleles in individuals of European (Non-Finnish) descent in gnomAD. At this time, the clinical significance of this variant is uncertain due to the absence of conclusive functional and genetic evidence.

Genetic Services Laboratory, University of Chicago
Classification: Uncertain significance. Last evaluated: 2016-12-22. Review status: criteria provided, single submitter. Criteria: ACMG Guidelines, 2015. Collection method: clinical testing. Allele origin: germline. Affected: no.